The following is an entry in ClinVar:

NM_001370259.2(MEN1):c.726C>T (p.Ala242=)

Gene: MEN1 (menin 1; minus strand). Cytogenetic location: 11q13.1.
Variant type: single nucleotide variant.
Coding change: c.726C>T on transcript NM_001370259.2 (MANE Select); coding-DNA position 726, C replaced by T.
Protein change: p.Ala242=; no amino-acid change (alanine 242 retained).
Molecular consequence: synonymous variant.
Genome position (GRCh38, 1-based): chr11:64,807,609, G>A on the plus strand (C>T on the coding strand, the complement: MEN1 is on the minus strand). VCF-style: chr11-64807609-G-A. GRCh37 (hg19) VCF-style: chr11-64575081-G-A.
Other names: c.741C>T, p.Ala247= (NM_130804.3, NM_130800.3, NM_130801.3 and 3 more transcripts); c.621C>T, p.Ala207= (NM_001370263.2, NM_001370262.2); c.726C>T, p.Ala242= (NM_130799.3, NM_001370251.2, NM_001370260.2 and 1 more transcripts).
Identifiers: ClinVar variation 457334 (VCV000457334.15), dbSNP rs1198651608, ClinGen allele CA474983798.

ClinVar aggregate classification (germline): Benign/Likely benign. Review status: criteria provided, multiple submitters, no conflicts (2 of 4 stars). 4 submissions from 4 submitters: Benign (1); Likely benign (3). Last evaluated 2024-11-01.

Conditions:
Hereditary cancer-predisposing syndrome. Also called: Hereditary Cancer Syndrome; Hereditary neoplastic syndrome; Tumor predisposition; Neoplastic Syndromes, Hereditary. Identifiers: Orphanet 140162, MedGen C0027672, MeSH D009386, MONDO:0015356.
Multiple endocrine neoplasia, type 1 (MEN1). Also called: MEN I; WERMER SYNDROME; Endocrine adenomatosis multiple; MEN 1; MEA I. Identifiers: Orphanet 652, MedGen C0025267, MeSH D018761, MONDO:0007540, OMIM 131100.

Allele frequency attached by ClinVar (database versions not stated): gnomAD 0.00001.
gnomAD v4.1: 1 of 1,614,054 alleles (0.000062%); highest among the groups gnomAD compares: East Asian, 0.0022%; no homozygotes.

Submissions (4):

Myriad Genetics, Inc.
Classification: Benign for Multiple endocrine neoplasia, type 1. Last evaluated: 2024-11-01. Review status: criteria provided, single submitter. Criteria: Myriad Autosomal Dominant, Autosomal Recessive and X-Linked Classification Criteria (2023). Collection method: clinical testing. Allele origin: unknown.
Comment: This variant is considered benign. This variant is a silent/synonymous amino acid change and it is not expected to impact splicing.

Labcorp Genetics (formerly Invitae), Labcorp
Classification: Likely benign for Multiple endocrine neoplasia, type 1. Last evaluated: 2024-08-08. Review status: criteria provided, single submitter. Criteria: Invitae Variant Classification Sherloc (09022015). Collection method: clinical testing. Allele origin: germline.

All of Us Research Program, National Institutes of Health
Classification: Likely benign for Multiple endocrine neoplasia, type 1. Last evaluated: 2023-06-08. Review status: criteria provided, single submitter. Criteria: ACMG Guidelines, 2015. Collection method: clinical testing. Allele origin: germline. Inheritance: Autosomal dominant inheritance. Observed: 1 variant allele, 1 heterozygote.
Comment: This study involves interpretation of variants in research participants for the purpose of population health screening. Participant phenotype was not available at the time of variant classification. Additional details can be found in publication PMID: 35346344, PMCID: PMC8962531

Ambry Genetics
Classification: Likely benign for Hereditary cancer-predisposing syndrome. Last evaluated: 2020-04-23. Review status: criteria provided, single submitter. Criteria: Ambry Variant Classification Scheme 2023. Collection method: clinical testing. Allele origin: germline.